The following is an entry in ClinVar:

ClinVar aggregate classification (germline): Conflicting classifications of pathogenicity. Review status: criteria provided, conflicting classifications (1 of 4 stars). 6 submissions from 6 submitters: Likely pathogenic (1); Uncertain significance (3); Benign (1). 1 of the submissions does not count toward it. Last evaluated 2026-01-19.

Conditions:
PIEZO1-related disorder. Also called: PIEZO1-Related Disorders; PIEZO1-related condition.
Inborn genetic diseases. Identifiers: MedGen C0950123, MeSH D030342.
Lymphatic malformation (LM). Identifiers: MedGen C0398368, MONDO:0019313. Disease mechanism: gain of function.

Allele frequency attached by ClinVar (database versions not stated): gnomAD 0.00003 and 0.00004; ExAC 0.00005; gnomAD exomes 0.00006 and 0.00008; TOPMed 0.00009.
gnomAD v4.1: 88 of 1,550,170 alleles (0.0057%); highest among the groups gnomAD compares: Admixed American, 0.025%; no homozygotes.

Submissions (6):

Labcorp Genetics (formerly Invitae), Labcorp
Classification: Benign. Last evaluated: 2026-01-19. Review status: criteria provided, single submitter. Criteria: Invitae Variant Classification Sherloc (09022015). Collection method: clinical testing. Allele origin: germline.

Department of Cardiovascular Surgery, China-Japan Friendship Hospital
Classification: Likely pathogenic for Lymphatic malformation. Last evaluated: 2025-10-14. Review status: criteria provided, single submitter. Criteria: ACMG Guidelines, 2015. Collection method: clinical testing. Allele origin: germline. Inheritance: Autosomal dominant inheritance. Affected: yes. Observed: 3 variant alleles, 3 heterozygotes. Clinical features observed: HPO:0002725, HPO:0002619.
Comment: The PIEZO1 c.1646C>T (p.T549M) variant was identified in a Chinese family with venous and lymphatic malformations. This variant affects a conserved residue within the PIEZO1 ion channel protein and is predicted to be damaging by multiple in silico tools (SIFT, PolyPhen-2, MutationTaster). It is absent from population databases, including gnomAD. Co-segregation analysis indicated that affected individuals carried the variant, while unaffected members did not. Functional studies of other PIEZO1 variants in the same domain have demonstrated disrupted mechanosensitive channel activity (PMID: 30482854; 26387913). Based on ACMG criteria (PM2, PP1, PP3, PP4), this variant is classified as likely pathogenic.

Revvity Omics, Revvity
Classification: Uncertain significance. Last evaluated: 2023-03-10. Review status: criteria provided, single submitter. Criteria: ACMG Guidelines, 2015. Collection method: clinical testing. Allele origin: germline.

Ambry Genetics
Classification: Uncertain significance for Inborn genetic diseases. Last evaluated: 2022-07-05. Review status: criteria provided, single submitter. Criteria: Ambry Variant Classification Scheme 2023. Collection method: clinical testing. Allele origin: germline.

ARUP Laboratories, Molecular Genetics and Genomics, ARUP Laboratories
Classification: Uncertain significance. Last evaluated: 2021-10-14. Review status: criteria provided, single submitter. Criteria: ARUP Molecular Germline Variant Investigation Process 2021. Collection method: clinical testing. Allele origin: germline.

PreventionGenetics, part of Exact Sciences
Classification: Uncertain significance for PIEZO1-related condition. Last evaluated: 2024-03-07. Review status: no assertion criteria provided. Collection method: clinical testing. Allele origin: germline. Not counted in ClinVar's aggregate classification.
Comment: The PIEZO1 c.1646C>T variant is predicted to result in the amino acid substitution p.Thr549Met. To our knowledge, this variant has not been reported in the literature. This variant is reported in 0.024% of alleles in individuals of Latino descent in gnomAD. At this time, the clinical significance of this variant is uncertain due to the absence of conclusive functional and genetic evidence.

Literature cited by the submitters: PubMed 30482854 (cited by Department of Cardiovascular Surgery, China-Japan Friendship Hospital); PubMed 35175728 (cited by Department of Cardiovascular Surgery, China-Japan Friendship Hospital).

NM_001142864.4(PIEZO1):c.1646C>T (p.Thr549Met)

Genes: PIEZO1 (piezo type mechanosensitive ion channel component 1 (Er blood group); minus strand), HSALR1 (HSP90AB1 associated lncRNA 1; plus strand). Cytogenetic location: 16q24.3.
Variant type: single nucleotide variant.
Coding change: c.1646C>T on transcript NM_001142864.4 (MANE Select); coding-DNA position 1646, C replaced by T.
Protein change: p.Thr549Met; replaces threonine 549 with methionine.
Molecular consequence: missense variant.
Genome position (GRCh38, 1-based): chr16:88,735,158, G>A on the plus strand (C>T on the coding strand, the complement: PIEZO1 is on the minus strand). VCF-style: chr16-88735158-G-A. GRCh37 (hg19) VCF-style: chr16-88801566-G-A.
Other names: p.T549M; c.1646C>T (NM_001142864.3, NM_001142864.2); short protein forms T549M.
Identifiers: ClinVar variation 1330557 (VCV001330557.17), dbSNP rs775326454, ClinGen allele CA8232955.